The following is an entry in ClinVar:

ClinVar aggregate classification (germline): Uncertain significance (1 of 4 stars; one submission).

Conditions:
Intellectual developmental disorder, autosomal dominant 1. Also called: Intellectual disability, autosomal dominant 1; MBD5 Haploinsufficiency. Identifiers: Orphanet 228402, MedGen C1969562, MONDO:0007974, OMIM 156200.

Allele frequency attached by ClinVar (database versions not stated): ExAC 0.00001; gnomAD 0.00001; gnomAD exomes 0.00001; TOPMed 0.00002; ESP Exome Variant Server 0.00008.
gnomAD v4.1: 10 of 1,613,726 alleles (0.00062%); highest among the groups gnomAD compares: Non-Finnish European, 0.00085%; no homozygotes.

Submission:

Labcorp Genetics (formerly Invitae), Labcorp
Classification: Uncertain significance for Intellectual developmental disorder, autosomal dominant 1. Last evaluated: 2023-04-09. Review status: criteria provided, single submitter. Criteria: Invitae Variant Classification Sherloc (09022015). Collection method: clinical testing. Allele origin: germline.
Comment: In summary, the available evidence is currently insufficient to determine the role of this variant in disease. Therefore, it has been classified as a Variant of Uncertain Significance. Advanced modeling of protein sequence and biophysical properties (such as structural, functional, and spatial information, amino acid conservation, physicochemical variation, residue mobility, and thermodynamic stability) performed at Invitae indicates that this missense variant is not expected to disrupt MBD5 protein function. ClinVar contains an entry for this variant (Variation ID: 2193445). This variant has not been reported in the literature in individuals affected with MBD5-related conditions. This variant is present in population databases (rs370312062, gnomAD 0.0009%). This sequence change replaces alanine, which is neutral and non-polar, with aspartic acid, which is acidic and polar, at codon 546 of the MBD5 protein (p.Ala546Asp).

NM_001378120.1(MBD5):c.1637C>A (p.Ala546Asp)

Gene: MBD5 (methyl-CpG binding domain protein 5; plus strand). Cytogenetic location: 2q23.1.
Variant type: single nucleotide variant.
Coding change: c.1637C>A on transcript NM_001378120.1 (MANE Select); coding-DNA position 1637, C replaced by A.
Protein change: p.Ala546Asp; replaces alanine 546 with aspartic acid.
Molecular consequence: missense variant.
Genome position (GRCh38, 1-based): chr2:148,469,580, C>A. VCF-style: chr2-148469580-C-A. GRCh37 (hg19) VCF-style: chr2-149227149-C-A.
Other names: c.1637C>A, p.Ala546Asp (NM_018328.5); short protein forms A546D.
Identifiers: ClinVar variation 2193445 (VCV002193445.4), dbSNP rs370312062, ClinGen allele CA1900043.